The following is an entry in ClinVar:

ClinVar aggregate classification (germline): Uncertain significance. Review status: criteria provided, multiple submitters, no conflicts (2 of 4 stars). 2 submissions from 2 submitters: Uncertain significance (2). Last evaluated 2023-02-16.

Conditions:
Cardiovascular phenotype. Identifiers: MedGen CN230736.

Submissions (2):

Ambry Genetics
Classification: Uncertain significance for Cardiovascular phenotype. Last evaluated: 2023-02-16. Review status: criteria provided, single submitter. Criteria: Ambry Variant Classification Scheme 2023. Collection method: clinical testing. Allele origin: germline.
Comment: The p.V581L variant (also known as c.1741G>C), located in coding exon 9 of the MYPN gene, results from a G to C substitution at nucleotide position 1741. The valine at codon 581 is replaced by leucine, an amino acid with highly similar properties. This amino acid position is conserved. In addition, this alteration is predicted to be tolerated by in silico analysis. Since supporting evidence is limited at this time, the clinical significance of this alteration remains unclear.

Laboratory for Molecular Medicine, Mass General Brigham Personalized Medicine
Classification: Uncertain significance. Last evaluated: 2017-01-20. Review status: criteria provided, single submitter. Criteria: LMM Criteria. Collection method: clinical testing. Allele origin: germline. Observed: 2 variant alleles.
Comment: The p.Val581Leu variant in MYPN has not been previously reported in individuals with cardiomyopathy or in large population studies. Computational prediction too ls and conservation analysis suggest that the p.Val581Leu variant may impact the protein, though this information is not predictive enough to determine pathogen icity. In summary, the clinical significance of the p.Val581Leu variant is uncer tain.

NM_032578.4(MYPN):c.1741G>C (p.Val581Leu)

Gene: MYPN (myopalladin; plus strand). Cytogenetic location: 10q21.3.
Variant type: single nucleotide variant.
Coding change: c.1741G>C on transcript NM_032578.4 (MANE Select); coding-DNA position 1741, G replaced by C.
Protein change: p.Val581Leu; replaces valine 581 with leucine.
Molecular consequence: missense variant. On other transcripts: non-coding transcript variant (2).
Genome position (GRCh38, 1-based): chr10:68,166,434, G>C. VCF-style: chr10-68166434-G-C. GRCh37 (hg19) VCF-style: chr10-69926191-G-C.
Other names: c.1741G>C, p.Val581Leu (NM_001256267.2); c.859G>C, p.Val287Leu (NM_001256268.2); c.1741G>C (NM_032578.2); short protein forms V581L, V287L.
Identifiers: ClinVar variation 505560 (VCV000505560.7), dbSNP rs1464184643, ClinGen allele CA376839993.